The following is an entry in ClinVar:

NM_001385875.1(ZFYVE27):c.*778C>T

Gene: ZFYVE27 (zinc finger FYVE-type containing 27; plus strand). Cytogenetic location: 10q24.2.
Variant type: single nucleotide variant.
Coding change: c.*778C>T on transcript NM_001385875.1 (MANE Select); 778 bases downstream of the stop codon, C replaced by T.
Molecular consequence: 3 prime UTR variant. On other transcripts: non-coding transcript variant (17).
Genome position (GRCh38, 1-based): chr10:97,760,078, C>T. VCF-style: chr10-97760078-C-T. GRCh37 (hg19) VCF-style: chr10-99519835-C-T.
Other names: c.*778C>T (NM_001002261.4, NM_001002262.4, NM_001174119.2 and 39 more transcripts).
Identifiers: ClinVar variation 301851 (VCV000301851.5), dbSNP rs548911456, ClinGen allele CA10637062.
Genomic context (GRCh38, chr10:97,760,078, plus strand): 5'-AATTCACAGACTCTCAGCCCACACAATGCCCCAGTGTCCCCAGCTCCGCTGGAGCAGCTG[C>T]AGGGCACTTGGATCACAACTTCTGCACCCTCTGTCCAGAGTCTAGGGCAGTCCTCCACTG-3'

ClinVar aggregate classification (germline): Benign (1 of 4 stars; one submission).

Conditions:
Hereditary spastic paraplegia 33. Also called: SPASTIC PARAPLEGIA 33, AUTOSOMAL DOMINANT. Identifiers: MedGen C1853251, MONDO:0012448, OMIM 610244.

Allele frequency attached by ClinVar (database versions not stated): gnomAD 0.00019; 1000 Genomes Project 30x 0.00031; 1000 Genomes Project 0.00040; TOPMed 0.00043.
gnomAD v4.1: 29 of 153,498 alleles (0.019%); highest among the groups gnomAD compares: Admixed American, 0.12%; no homozygotes.

Submission:

Illumina Laboratory Services, Illumina
Classification: Benign for Hereditary spastic paraplegia 33. Last evaluated: 2018-01-12. Review status: criteria provided, single submitter. Criteria: ICSL Variant Classification Criteria 13 December 2019. Collection method: clinical testing. Allele origin: germline.
Comment: This variant was observed in the ICSL laboratory as part of a predisposition screen in an ostensibly healthy population. It had not been previously curated by ICSL or reported in the Human Gene Mutation Database (HGMD: prior to June 1st, 2018), and was therefore a candidate for classification through an automated scoring system. Utilizing variant allele frequency, disease prevalence and penetrance estimates, and inheritance mode, an automated score was calculated to assess if this variant is too frequent to cause the disease. Based on the score and internal cut-off values, a variant classified as benign is not then subjected to further curation. The score for this variant resulted in a classification of benign for this disease.